The following is an entry in ClinVar:

NM_002734.5(PRKAR1A):c.1133C>A (p.Ser378Ter)

Gene: PRKAR1A (protein kinase cAMP-dependent type I regulatory subunit alpha; plus strand). Cytogenetic location: 17q24.2.
Variant type: single nucleotide variant.
Coding change: c.1133C>A on transcript NM_002734.5 (MANE Select); coding-DNA position 1133, C replaced by A.
Protein change: p.Ser378Ter; replaces serine 378 with a stop codon.
Molecular consequence: nonsense. On other transcripts: intron variant (1).
Genome position (GRCh38, 1-based): chr17:68,530,436, C>A. VCF-style: chr17-68530436-C-A. GRCh37 (hg19) VCF-style: chr17-66526577-C-A.
Other names: c.1133C>A, p.Ser378Ter (NM_001276289.2, NM_001278433.2, NM_001369389.1 and 3 more transcripts); c.973+435C>A (NM_001276290.1); short protein forms S378*.
Identifiers: ClinVar variation 1722381 (VCV001722381.1), dbSNP rs1568703465, ClinGen allele CA400755010.
Genomic context (GRCh38, chr17:68,530,436, plus strand): 5'-TTCTTGGCCCATGCTCAGACATCCTCAAACGAAACATCCAGCAGTACAACAGTTTTGTGT[C>A]ACTGTCTGTCTGAAATCTGCCTCCTGTGCCTCCCTTTTCTCCTCTCCCCAATCCATGCTT-3'

ClinVar aggregate classification (germline): Uncertain significance (1 of 4 stars; one submission).

Submission:

Women's Health and Genetics/Laboratory Corporation of America, LabCorp
Classification: Uncertain significance. Last evaluated: 2022-09-06. Review status: criteria provided, single submitter. Criteria: LabCorp Variant Classification Summary - May 2015. Collection method: clinical testing. Allele origin: germline.
Comment: Variant summary: PRKAR1A c.1133C>A (p.Ser378X) results in a premature termination codon, predicted to cause a truncation of the encoded protein or absence of the protein due to nonsense mediated decay, which are commonly known mechanisms for disease. Truncations a few amino acids upstream of this variant have been reported in association with Acrodysostosis with hormone resistance in HGMD (p.R368* and p.Q372*), however these variants impact amino acids that have been shown to be determinant for the binding of cAMP to domain B (R368/Y373), while the variant of interest does not impact these amino acids. The variant of interest is located just outside of the Cyclic nucleotide-binding domain (amino acids 255-376). The variant was absent in 251410 control chromosomes (gnomAD). The available data on variant occurrences in the general population are insufficient to allow any conclusion about variant significance. To our knowledge, no occurrence of c.1133C>A in individuals affected with Carney Complex and no experimental evidence demonstrating its impact on protein function have been reported. No clinical diagnostic laboratories have submitted clinical-significance assessments for this variant to ClinVar after 2014. Based on the evidence outlined above, the variant was classified as uncertain significance.